The following is an entry in ClinVar:

ClinVar aggregate classification (germline): Uncertain significance. Review status: criteria provided, multiple submitters, no conflicts (2 of 4 stars). 2 submissions from 2 submitters: Uncertain significance (2). Last evaluated 2025-02-24.

Allele frequency attached by ClinVar (database versions not stated): ExAC 0.00006; gnomAD 0.00001.
gnomAD v4.1: 23 of 1,613,926 alleles (0.0014%); highest among the groups gnomAD compares: Non-Finnish European, 0.0019%; no homozygotes.

Submissions (2):

Labcorp Genetics (formerly Invitae), Labcorp
Classification: Uncertain significance. Last evaluated: 2025-02-24. Review status: criteria provided, single submitter. Criteria: Invitae Variant Classification Sherloc (09022015). Collection method: clinical testing. Allele origin: germline.
Comment: This sequence change replaces phenylalanine, which is neutral and non-polar, with valine, which is neutral and non-polar, at codon 297 of the ATRIP protein (p.Phe297Val). This variant is present in population databases (rs769085285, gnomAD 0.007%). This variant has not been reported in the literature in individuals affected with ATRIP-related conditions. ClinVar contains an entry for this variant (Variation ID: 2326449). An algorithm developed to predict the effect of missense changes on protein structure and function (PolyPhen-2) suggests that this variant is likely to be tolerated. In summary, the available evidence is currently insufficient to determine the role of this variant in disease. Therefore, it has been classified as a Variant of Uncertain Significance.

Ambry Genetics
Classification: Uncertain significance. Last evaluated: 2024-12-15. Review status: criteria provided, single submitter. Criteria: Ambry Variant Classification Scheme 2023. Collection method: clinical testing. Allele origin: germline.
Comment: The p.F297V variant (also known as c.889T>G), located in coding exon 6 of the ATRIP gene, results from a T to G substitution at nucleotide position 889. The phenylalanine at codon 297 is replaced by valine, an amino acid with highly similar properties. This amino acid position is conserved. In addition, this alteration is predicted to be tolerated by in silico analysis. Based on the available evidence, the clinical significance of this variant remains unclear.

NM_130384.3(ATRIP):c.889T>G (p.Phe297Val)

Genes: ATRIP (ATR interacting protein; plus strand), ATRIP-TREX1 (ATRIP-TREX1 readthrough; plus strand). Cytogenetic location: 3p21.31.
Variant type: single nucleotide variant.
Coding change: c.889T>G on transcript NM_130384.3 (MANE Select); coding-DNA position 889, T replaced by G.
Protein change: p.Phe297Val; replaces phenylalanine 297 with valine.
Molecular consequence: missense variant. On other transcripts: non-coding transcript variant (1).
Genome position (GRCh38, 1-based): chr3:48,459,418, T>G. VCF-style: chr3-48459418-T-G. GRCh37 (hg19) VCF-style: chr3-48500817-T-G.
Other names: c.508T>G, p.Phe170Val (NM_001271022.2); c.610T>G, p.Phe204Val (NM_001271023.2); c.889T>G, p.Phe297Val (NM_032166.4); short protein forms F170V, F204V, F297V.
Identifiers: ClinVar variation 2326449 (VCV002326449.6), dbSNP rs769085285, ClinGen allele CA2376083.